The following is an entry in ClinVar:

NM_016203.4(PRKAG2):c.592C>G (p.Pro198Ala)

Gene: PRKAG2 (protein kinase AMP-activated non-catalytic subunit gamma 2; minus strand). Cytogenetic location: 7q36.1.
Variant type: single nucleotide variant.
Coding change: c.592C>G on transcript NM_016203.4 (MANE Select); coding-DNA position 592, C replaced by G.
Protein change: p.Pro198Ala; replaces proline 198 with alanine.
Molecular consequence: missense variant.
Genome position (GRCh38, 1-based): chr7:151,675,512, G>C on the plus strand (C>G on the coding strand, the complement: PRKAG2 is on the minus strand). VCF-style: chr7-151675512-G-C. GRCh37 (hg19) VCF-style: chr7-151372598-G-C.
Other names: c.460C>G, p.Pro154Ala (NM_001040633.2); c.220C>G, p.Pro74Ala (NM_001304527.2, NM_001363698.2); short protein forms P154A, P198A, P74A.
Identifiers: ClinVar variation 922289 (VCV000922289.6), dbSNP rs753859556, ClinGen allele CA370187602.

ClinVar aggregate classification (germline): Uncertain significance. Review status: criteria provided, multiple submitters, no conflicts (2 of 4 stars). 2 submissions from 2 submitters: Uncertain significance (2). Last evaluated 2024-05-14.

Conditions:
Cardiomyopathy (CMYO). Also called: Cardiomyopathies. Identifiers: Orphanet 167848, MedGen C0878544, MONDO:0004994, HP:0001638. Inheritance: Various modes of inheritance.
Hypertrophic cardiomyopathy. Also called: HYPERTROPHIC MYOCARDIOPATHY. Identifiers: Orphanet 217569, MedGen C0007194, MeSH D002312, MONDO:0005045, HP:0001639.

gnomAD v4.1: 2 of 1,614,192 alleles (0.00012%); highest among the groups gnomAD compares: Non-Finnish European, 0.00017%; no homozygotes.

Submissions (2):

All of Us Research Program, National Institutes of Health
Classification: Uncertain significance for Hypertrophic cardiomyopathy. Last evaluated: 2024-05-14. Review status: criteria provided, single submitter. Criteria: ACMG Guidelines, 2015. Collection method: clinical testing. Allele origin: germline. Inheritance: Autosomal dominant inheritance. Observed: 1 variant allele, 1 heterozygote.
Comment: Variant of Uncertain Significance due to insufficient evidence: This missense variant replaces proline with alanine at codon 198 of the PRKAG2 protein. Computational prediction tools and conservation analyses are inconclusive regarding the impact of this variant on the protein function. Computational splicing tools suggest that this variant may not impact RNA splicing. To our knowledge, functional assays have not been performed for this variant nor has this variant been reported in individuals affected with cardiovascular disorders in the literature. This variant is rare in the general population and has been identified in 0/277264 chromosomes by the Genome Aggregation Database (gnomAD). Available evidence is insufficient to determine the pathogenicity of this variant conclusively.

This study involves interpretation of variants in research participants for the purpose of population health screening. Participant phenotype was not available at the time of variant classification. Additional details can be found in publication PMID: 35346344, PMCID: PMC8962531

Color Diagnostics, LLC DBA Color Health
Classification: Uncertain significance for Cardiomyopathy. Last evaluated: 2024-04-25. Review status: criteria provided, single submitter. Criteria: ACMG Guidelines, 2015. Collection method: clinical testing. Allele origin: germline.
Comment: This missense variant replaces proline with alanine at codon 198 of the PRKAG2 protein. Computational prediction tools indicate that this variant has a neutral impact on protein structure and function. To our knowledge, functional studies have not been reported for this variant. This variant has been reported in one individual affected with hypertrophic cardiomyopathy (PMID: 28138913) and in three individuals affected with features of PRKAG2 syndrome (PMID: 32646569). This variant has not been identified in the general population by the Genome Aggregation Database (gnomAD). The available evidence is insufficient to determine the role of this variant in disease conclusively. Therefore, this variant is classified as a Variant of Uncertain Significance.

Literature cited by the submitters: PubMed 28138913 (cited by Color Diagnostics, LLC DBA Color Health); PubMed 32646569 (cited by Color Diagnostics, LLC DBA Color Health).